The following continues an entry in ClinVar:

NM_000053.4(ATP7B):c.2972C>T (p.Thr991Met)

Gene: ATP7B. ClinVar aggregate classification (germline): Conflicting classifications of pathogenicity. Pathogenic (1); Likely pathogenic (6); Uncertain significance (16).

Submissions 22 to 24 of 24:

Eurofins Ntd Llc (ga)
Classification: Uncertain significance. Last evaluated: 2016-09-29. Review status: criteria provided, single submitter. Criteria: EGL Classification Definitions 2015. Collection method: clinical testing. Allele origin: germline. Observed: 2 variant alleles, 2 heterozygotes.

Neuberg Centre For Genomic Medicine, NCGM
Classification: Uncertain significance for Wilson disease. Review status: criteria provided, single submitter. Criteria: ACMG Guidelines, 2015. Collection method: clinical testing. Allele origin: germline. Inheritance: Autosomal recessive inheritance. Affected: yes.
Comment: The missense variant c.2972C>T (p.Thr991Met) in ATP7B gene in heterozygous state have be associated with Wilson disease (Lepori_2007, Cox_2005). The variant has been described in few patients with Wilson disease (Cox 2005), and has been implicated as having a mild effect on protein function in a model system (Luoma 2010). This variant is reported with the allele frequency 0.1% in the gnomAD and novel in 1000 genome database. It has been submitted to ClinVar with varying interpretations: Pathogenic/ Likely Pathogenic/variant of unsignificance. The amino acid Thr at position 991 is changed to a Met changing protein sequence and it might alter its composition and physico-chemical properties. The amino acid change p.Thr991Met in ATP7B is predicted as conserved by GERP++ and PhyloP across 100 vertebrates. For these reasons, this variant has been classified as Uncertain Significance. In the absence of second reportable variants, the molecular diagnosis cannot be confirmed.

Natera, Inc.
Classification: Uncertain significance for Wilson disease. Last evaluated: 2020-04-15. Review status: no assertion criteria provided. Collection method: clinical testing. Allele origin: germline. Not counted in ClinVar's aggregate classification.

Literature cited by the submitters: PubMed 16088907 (cited by 8 submitters); PubMed 23518715 (cited by 8 submitters); PubMed 26275891 (cited by 5 submitters); PubMed 27528516 (cited by 4 submitters); PubMed 36672771 (cited by Myriad Genetics, Inc. and Women's Health and Genetics/Laboratory Corporation of America, LabCorp); PubMed 37353797 (cited by Myriad Genetics, Inc.); PubMed 40661833 (cited by 3 submitters); PubMed 33640437 (cited by Otogenetics); PubMed 34400371 (cited by Otogenetics); PubMed 39933775 (cited by Otogenetics and Mayo Clinic Laboratories, Mayo Clinic); PubMed 20333758 (cited by 8 submitters); PubMed 17949296 (cited by 6 submitters); PubMed 22692182 (cited by Mayo Clinic Laboratories, Mayo Clinic and Women's Health and Genetics/Laboratory Corporation of America, LabCorp); PubMed 30254379 (cited by Mayo Clinic Laboratories, Mayo Clinic); PubMed 30275481 (cited by Mayo Clinic Laboratories, Mayo Clinic); PubMed 31059521 (cited by Mayo Clinic Laboratories, Mayo Clinic and Women's Health and Genetics/Laboratory Corporation of America, LabCorp); PubMed 31738409 (cited by 4 submitters); PubMed 31980526 (cited by Mayo Clinic Laboratories, Mayo Clinic); PubMed 32248359 (cited by Mayo Clinic Laboratories, Mayo Clinic and Women's Health and Genetics/Laboratory Corporation of America, LabCorp); PubMed 33258288 (cited by 4 submitters); PubMed 23235335 (cited by Women's Health and Genetics/Laboratory Corporation of America, LabCorp); PubMed 24253677 (cited by Women's Health and Genetics/Laboratory Corporation of America, LabCorp); PubMed 26206375 (cited by Women's Health and Genetics/Laboratory Corporation of America, LabCorp); PubMed 30556376 (cited by Women's Health and Genetics/Laboratory Corporation of America, LabCorp and All of Us Research Program, National Institutes of Health); PubMed 37937776 (cited by Women's Health and Genetics/Laboratory Corporation of America, LabCorp).